The following is an entry in ClinVar:

NM_031407.7(HUWE1):c.9523C>T (p.Leu3175Phe)

Gene: HUWE1 (HECT, UBA and WWE domain containing E3 ubiquitin protein ligase 1; minus strand). Cytogenetic location: Xp11.22.
Variant type: single nucleotide variant.
Coding change: c.9523C>T on transcript NM_031407.7 (MANE Select); coding-DNA position 9523, C replaced by T.
Protein change: p.Leu3175Phe; replaces leucine 3175 with phenylalanine.
Molecular consequence: missense variant.
Genome position (GRCh38, 1-based): chrX:53,549,471, G>A on the plus strand (C>T on the coding strand, the complement: HUWE1 is on the minus strand). VCF-style: chrX-53549471-G-A. GRCh37 (hg19) VCF-style: chrX-53576432-G-A.
Other names: short protein forms L3175F.
Identifiers: ClinVar variation 3359705 (VCV003359705.1).

ClinVar aggregate classification (germline): Uncertain significance (1 of 4 stars; one submission).

Submission:

GeneDx
Classification: Uncertain significance. Last evaluated: 2023-06-12. Review status: criteria provided, single submitter. Criteria: GeneDx Variant Classification Process June 2021. Collection method: clinical testing. Allele origin: germline. Affected: yes.
Comment: Not observed at significant frequency in large population cohorts (gnomAD); In silico analysis supports that this missense variant has a deleterious effect on protein structure/function; Has not been previously published as pathogenic or benign to our knowledge